The following is an entry in ClinVar:

ClinVar aggregate classification (germline): Uncertain significance (1 of 4 stars; one submission).

gnomAD v4.1: 2 of 1,070,764 alleles (0.00019%); highest among the groups gnomAD compares: Middle Eastern, 0.025%; no homozygotes.

Submission:

GeneDx
Classification: Uncertain significance. Last evaluated: 2024-06-25. Review status: criteria provided, single submitter. Criteria: GeneDx Variant Classification Process June 2021. Collection method: clinical testing. Allele origin: germline. Affected: yes.
Comment: Not observed at significant frequency in large population cohorts (gnomAD); In silico analysis indicates that this variant does not alter splicing; Has not been previously published as pathogenic or benign to our knowledge

NM_001291415.2(KDM6A):c.1572G>A (p.Gln524=)

Gene: KDM6A (lysine demethylase 6A; plus strand). Cytogenetic location: Xp11.3.
Variant type: single nucleotide variant.
Coding change: c.1572G>A on transcript NM_001291415.2 (MANE Select); coding-DNA position 1572, G replaced by A.
Protein change: p.Gln524=; no amino-acid change (glutamine 524 retained).
Molecular consequence: synonymous variant. On other transcripts: non-coding transcript variant (1).
Genome position (GRCh38, 1-based): chrX:45,061,410, G>A. VCF-style: chrX-45061410-G-A. GRCh37 (hg19) VCF-style: chrX-44920655-G-A.
Other names: c.1437G>A, p.Gln479= (NM_001291416.2, NM_001419811.1); c.1281G>A, p.Gln427= (NM_001291417.2, NM_001291418.2, NM_001419815.1); c.528G>A, p.Gln176= (NM_001291421.2); c.1416G>A, p.Gln472= (NM_001410742.1, NM_001419812.1, NM_001419814.1 and 1 more transcripts); c.1572G>A, p.Gln524= (NM_001419809.1, NM_001419810.1, NM_001419813.1).
Identifiers: ClinVar variation 3392576 (VCV003392576.1).